The following is an entry in ClinVar:

NM_006361.6(HOXB13):c.701A>G (p.Glu234Gly)

Gene: HOXB13 (homeobox B13; minus strand). Cytogenetic location: 17q21.32.
Variant type: single nucleotide variant.
Coding change: c.701A>G on transcript NM_006361.6 (MANE Select); coding-DNA position 701, A replaced by G.
Protein change: p.Glu234Gly; replaces glutamic acid 234 with glycine.
Molecular consequence: missense variant.
Genome position (GRCh38, 1-based): chr17:48,726,944, T>C on the plus strand (A>G on the coding strand, the complement: HOXB13 is on the minus strand). VCF-style: chr17-48726944-T-C. GRCh37 (hg19) VCF-style: chr17-46804306-T-C.
Other names: short protein forms E234G.
Identifiers: ClinVar variation 941948 (VCV000941948.10), dbSNP rs2038217786, ClinGen allele CA400106514.
Genomic context (GRCh38, chr17:48,726,944, plus strand): 5'-CTGGTGGCTGCCGAGATCTTGCGCCTCTTGTCCTTGGTGATGAACTTGTTAGCCGCATAC[T>C]CCCGCTCCAGCTCCCGCAACTGCCCCTTGCTGTACGGAATGCGTTTCTTGCGGCCGCGAC-3'
Protein context (NP_006352.2, residues 224-244): SKGQLRELER[Glu234Gly]YAANKFITKD

ClinVar aggregate classification (germline): Uncertain significance. Review status: criteria provided, multiple submitters, no conflicts (2 of 4 stars). 2 submissions from 2 submitters: Uncertain significance (2). Last evaluated 2024-05-08.

Conditions:
Hereditary cancer-predisposing syndrome. Also called: Hereditary neoplastic syndrome; Neoplastic Syndromes, Hereditary; Tumor predisposition; Hereditary Cancer Syndrome. Identifiers: Orphanet 140162, MedGen C0027672, MeSH D009386, MONDO:0015356.

Submissions (2):

Ambry Genetics
Classification: Uncertain significance for Hereditary cancer-predisposing syndrome. Last evaluated: 2024-05-08. Review status: criteria provided, single submitter. Criteria: Ambry Variant Classification Scheme 2023. Collection method: clinical testing. Allele origin: germline.
Comment: The p.E234G variant (also known as c.701A>G), located in coding exon 2 of the HOXB13 gene, results from an A to G substitution at nucleotide position 701. The glutamic acid at codon 234 is replaced by glycine, an amino acid with similar properties. This amino acid position is conserved. In addition, this alteration is predicted to be deleterious by in silico analysis. Based on the available evidence, the clinical significance of this variant remains unclear.

Labcorp Genetics (formerly Invitae), Labcorp
Classification: Uncertain significance. Last evaluated: 2020-02-04. Review status: criteria provided, single submitter. Criteria: Invitae Variant Classification Sherloc (09022015). Collection method: clinical testing. Allele origin: germline.
Comment: This sequence change replaces glutamic acid with glycine at codon 234 of the HOXB13 protein (p.Glu234Gly). The glutamic acid residue is highly conserved and there is a moderate physicochemical difference between glutamic acid and glycine. This variant is not present in population databases (ExAC no frequency). In summary, the available evidence is currently insufficient to determine the role of this variant in disease. Therefore, it has been classified as a Variant of Uncertain Significance. Algorithms developed to predict the effect of sequence changes on RNA splicing suggest that this variant may create or strengthen a splice site, but this prediction has not been confirmed by published transcriptional studies. Algorithms developed to predict the effect of missense changes on protein structure and function (SIFT, PolyPhen-2, Align-GVGD) all suggest that this variant is likely to be disruptive, but these predictions have not been confirmed by published functional studies and their clinical significance is uncertain. This variant has not been reported in the literature in individuals with HOXB13-related conditions.